The following is an entry in ClinVar:

NM_133259.4(LRPPRC):c.1322A>T (p.Tyr441Phe)

Gene: LRPPRC (leucine rich pentatricopeptide repeat containing; minus strand). Cytogenetic location: 2p21.
Variant type: single nucleotide variant.
Coding change: c.1322A>T on transcript NM_133259.4 (MANE Select); coding-DNA position 1322, A replaced by T.
Protein change: p.Tyr441Phe; replaces tyrosine 441 with phenylalanine.
Molecular consequence: missense variant.
Genome position (GRCh38, 1-based): chr2:43,973,654, T>A on the plus strand (A>T on the coding strand, the complement: LRPPRC is on the minus strand). VCF-style: chr2-43973654-T-A. GRCh37 (hg19) VCF-style: chr2-44200793-T-A.
Other names: short protein forms Y441F.
Identifiers: ClinVar variation 4979810 (VCV004979810.1).

ClinVar aggregate classification (germline): Uncertain significance (1 of 4 stars; one submission).

Conditions:
LRPPRC-related disorder. Also called: LRPPRC-related condition.

gnomAD v4.1: 1 of 1,613,868 alleles (0.000062%); highest among the groups gnomAD compares: African/African-American, 0.0013%; no homozygotes.

Submission:

PreventionGenetics, part of Exact Sciences
Classification: Uncertain significance for LRPPRC-related condition. Last evaluated: 2025-04-01. Review status: criteria provided, single submitter. Criteria: ACMG Guidelines, 2015. Collection method: clinical testing. Allele origin: germline.
Comment: The LRPPRC c.1322A>T variant is predicted to result in the amino acid substitution p.Tyr441Phe. To our knowledge, this variant has not been reported in the literature or in a large population database (gnomAD), indicating this variant is rare. At this time, the clinical significance of this variant is uncertain due to the absence of conclusive functional and genetic evidence.